The following is an entry in ClinVar:

NM_004629.2(FANCG):c.21dup (p.Val8fs)

Gene: FANCG (FA complementation group G; minus strand). Cytogenetic location: 9p13.3.
Variant type: Duplication.
Coding change: c.21dup on transcript NM_004629.2 (MANE Select); coding-DNA position 21, one base duplicated (T; older notation c.21dupT).
Protein change: p.Val8fs; shifts the reading frame from valine 8.
Molecular consequence: frameshift variant.
Genome position (GRCh38, 1-based): chr9:35,079,504, A duplicated on the plus strand (T on the coding strand, the reverse complement: FANCG is on the minus strand). VCF-style (leftmost placement, unchanged base first): chr9-35079503-C-CA. GRCh37 (hg19) VCF-style: chr9-35079500-C-CA.
Other names: short protein forms V8fs.
Identifiers: ClinVar variation 2799922 (VCV002799922.3), dbSNP rs2490411715, ClinGen allele CA2739269199.

ClinVar aggregate classification (germline): Pathogenic (1 of 4 stars; one submission).

Conditions:
Fanconi anemia (FA). Also called: Fanconi's anemia. Identifiers: Orphanet 84, MedGen C0015625, MeSH D005199, MONDO:0019391.

Submission:

Labcorp Genetics (formerly Invitae), Labcorp
Classification: Pathogenic for Fanconi anemia. Last evaluated: 2023-04-14. Review status: criteria provided, single submitter. Criteria: Invitae Variant Classification Sherloc (09022015). Collection method: clinical testing. Allele origin: germline.
Comment: This sequence change creates a premature translational stop signal (p.Val8Cysfs*14) in the FANCG gene. It is expected to result in an absent or disrupted protein product. Loss-of-function variants in FANCG are known to be pathogenic (PMID: 12552564). This variant is not present in population databases (gnomAD no frequency). For these reasons, this variant has been classified as Pathogenic. This variant has not been reported in the literature in individuals affected with FANCG-related conditions.

Literature cited by the submitters: PubMed 12552564.